The following is an entry in ClinVar:

ClinVar aggregate classification (germline): Uncertain significance (1 of 4 stars; one submission).

Allele frequency attached by ClinVar (database versions not stated): TOPMed 0.00001.
gnomAD v4.1: 1 of 1,456,098 alleles (0.000069%); highest among the groups gnomAD compares: Admixed American, 0.0024%; no homozygotes.

Submission:

Labcorp Genetics (formerly Invitae), Labcorp
Classification: Uncertain significance. Last evaluated: 2021-08-04. Review status: criteria provided, single submitter. Criteria: Invitae Variant Classification Sherloc (09022015). Collection method: clinical testing. Allele origin: germline.
Comment: This sequence change replaces alanine with valine at codon 20 of the TONSL protein (p.Ala20Val). The alanine residue is weakly conserved and there is a small physicochemical difference between alanine and valine. The frequency data for this variant in the population databases is considered unreliable, as metrics indicate insufficient coverage at this position in the ExAC database. This variant has not been reported in the literature in individuals affected with TONSL-related conditions. Algorithms developed to predict the effect of missense changes on protein structure and function (SIFT, PolyPhen-2, Align-GVGD) all suggest that this variant is likely to be tolerated. In summary, the available evidence is currently insufficient to determine the role of this variant in disease. Therefore, it has been classified as a Variant of Uncertain Significance.

NM_013432.5(TONSL):c.59C>T (p.Ala20Val)

Genes: TONSL (tonsoku like, DNA repair protein; minus strand), LOC130001399 (ATAC-STARR-seq lymphoblastoid silent region 19685; plus strand). Cytogenetic location: 8q24.3.
Variant type: single nucleotide variant.
Coding change: c.59C>T on transcript NM_013432.5 (MANE Select); coding-DNA position 59, C replaced by T.
Protein change: p.Ala20Val; replaces alanine 20 with valine.
Molecular consequence: missense variant.
Genome position (GRCh38, 1-based): chr8:144,444,242, G>A on the plus strand (C>T on the coding strand, the complement: TONSL is on the minus strand). VCF-style: chr8-144444242-G-A. GRCh37 (hg19) VCF-style: chr8-145669625-G-A.
Other names: short protein forms A20V.
Identifiers: ClinVar variation 1447055 (VCV001447055.5), dbSNP rs886716710, ClinGen allele CA187678683.